The following is an entry in ClinVar:

ClinVar aggregate classification (germline): Likely benign (1 of 4 stars; one submission).

Conditions:
RAI1-related disorder. Also called: RAI1-related condition.

gnomAD v4.1: 1 of 1,613,850 alleles (0.000062%); no homozygotes.

Submission:

PreventionGenetics, part of Exact Sciences
Classification: Likely benign for RAI1-related condition. Last evaluated: 2026-05-08. Review status: criteria provided, single submitter. Criteria: ACMG Guidelines, 2015. Collection method: clinical testing. Allele origin: germline.
Comment: This variant is classified as likely benign based on ACMG/AMP sequence variant interpretation guidelines (Richards et al. 2015 PMID: 25741868, with internal and published modifications).

NM_030665.4(RAI1):c.4581C>T (p.Gly1527=)

Gene: RAI1 (retinoic acid induced 1; plus strand). Cytogenetic location: 17p11.2.
Variant type: single nucleotide variant.
Coding change: c.4581C>T on transcript NM_030665.4 (MANE Select); coding-DNA position 4581, C replaced by T.
Protein change: p.Gly1527=; no amino-acid change (glycine 1527 retained).
Molecular consequence: synonymous variant.
Genome position (GRCh38, 1-based): chr17:17,797,529, C>T. VCF-style: chr17-17797529-C-T. GRCh37 (hg19) VCF-style: chr17-17700843-C-T.
Identifiers: ClinVar variation 4982538 (VCV004982538.1).
Genomic context (GRCh38, chr17:17,797,529, plus strand): 5'-CTCCCAGCCCCCGGAGGGCAGGCCCTGCCAGCCCCAGACAAGGGCACAGAAACAGCCAGG[C>T]CACACCAACTACAGCAGCTATTCCAAGCGGAAGCGCCTCACTCGGGGCCGGGCCAAGAAC-3'
Protein context (NP_109590.3, residues 1517-1537): QPQTRAQKQP[Gly1527=]HTNYSSYSKR